The following is an entry in ClinVar:

NM_012144.4(DNAI1):c.1822C>A (p.His608Asn)

Gene: DNAI1 (dynein axonemal intermediate chain 1; plus strand). Cytogenetic location: 9p13.3.
Variant type: single nucleotide variant.
Coding change: c.1822C>A on transcript NM_012144.4 (MANE Select); coding-DNA position 1822, C replaced by A.
Protein change: p.His608Asn; replaces histidine 608 with asparagine.
Molecular consequence: missense variant.
Genome position (GRCh38, 1-based): chr9:34,517,288, C>A. VCF-style: chr9-34517288-C-A. GRCh37 (hg19) VCF-style: chr9-34517286-C-A.
Other names: c.1822C>A (NM_012144.2); c.1834C>A, p.His612Asn (NM_001281428.2); short protein forms H608N, H612N.
Identifiers: ClinVar variation 411842 (VCV000411842.10), dbSNP rs148762102, ClinGen allele CA5034561.

ClinVar aggregate classification (germline): Uncertain significance. Review status: criteria provided, multiple submitters, no conflicts (2 of 4 stars). 4 submissions from 4 submitters: Uncertain significance (3). 1 of the submissions does not count toward it. Last evaluated 2025-07-21.

Conditions:
Primary ciliary dyskinesia. Also called: Ciliary dyskinesia. Identifiers: Orphanet 244, MedGen C0008780, MONDO:0016575, HP:0012265.
Kartagener syndrome (CILD1). Also called: Dextrocardia bronchiectasis and sinusitis; IMMOTILE CILIA SYNDROME; POLYNESIAN BRONCHIECTASIS; CILIARY DYSKINESIA, PRIMARY, 1; CILIARY DYSKINESIA, PRIMARY, 1, WITH OR WITHOUT SITUS INVERSUS; SIEWERT SYNDROME. Identifiers: Orphanet 244, MedGen C4551906, MONDO:0009484, OMIM 244400.

Allele frequency attached by ClinVar (database versions not stated): ExAC 0.00001; gnomAD exomes 0.00002; gnomAD 0.00007 and 0.00008; TOPMed 0.00008.
gnomAD v4.1: 107 of 1,613,582 alleles (0.0066%); highest among the groups gnomAD compares: Non-Finnish European, 0.0088%; no homozygotes.

Submissions (4):

Ambry Genetics
Classification: Uncertain significance for Primary ciliary dyskinesia. Last evaluated: 2025-07-21. Review status: criteria provided, single submitter. Criteria: Ambry Variant Classification Scheme 2023. Collection method: clinical testing. Allele origin: germline.
Comment: The p.H608N variant (also known as c.1822C>A), located in coding exon 19 of the DNAI1 gene, results from a C to A substitution at nucleotide position 1822. The histidine at codon 608 is replaced by asparagine, an amino acid with similar properties. This amino acid position is conserved. In addition, the in silico prediction for this alteration is inconclusive. Based on the available evidence, the clinical significance of this variant remains unclear.

Labcorp Genetics (formerly Invitae), Labcorp
Classification: Uncertain significance for Primary ciliary dyskinesia. Last evaluated: 2021-09-02. Review status: criteria provided, single submitter. Criteria: Invitae Variant Classification Sherloc (09022015). Collection method: clinical testing. Allele origin: germline.
Comment: This sequence change replaces histidine with asparagine at codon 608 of the DNAI1 protein (p.His608Asn). The histidine residue is moderately conserved and there is a small physicochemical difference between histidine and asparagine. This variant is present in population databases (rs148762102, ExAC 0.002%). This variant has not been reported in the literature in individuals affected with DNAI1-related conditions. Algorithms developed to predict the effect of missense changes on protein structure and function are either unavailable or do not agree on the potential impact of this missense change (SIFT: "Tolerated"; PolyPhen-2: "Possibly Damaging"; Align-GVGD: "Class C0"). In summary, the available evidence is currently insufficient to determine the role of this variant in disease. Therefore, it has been classified as a Variant of Uncertain Significance.

Fulgent Genetics
Classification: Uncertain significance for Kartagener syndrome. Last evaluated: 2021-08-02. Review status: criteria provided, single submitter. Criteria: ACMG Guidelines, 2015. Collection method: clinical testing. Allele origin: unknown.

Natera, Inc.
Classification: Uncertain significance for Primary ciliary dyskinesia. Last evaluated: 2019-10-28. Review status: no assertion criteria provided. Collection method: clinical testing. Allele origin: germline. Not counted in ClinVar's aggregate classification.